The following is an entry in ClinVar:

NM_000548.5(TSC2):c.2074_2076dup (p.Val692_Leu693insVal)

Gene: TSC2 (TSC complex subunit 2; plus strand). Cytogenetic location: 16p13.3.
Variant type: Duplication.
Coding change: c.2074_2076dup on transcript NM_000548.5 (MANE Select); coding-DNA positions 2074 to 2076, 3 bases duplicated (GTC; older notation c.2074_2076dupGTC).
Protein change: p.Val692_Leu693insVal.
Molecular consequence: inframe insertion. On other transcripts: inframe indel (32).
Genome position (GRCh38, 1-based): chr16:2,071,911-2,071,913, GTC duplicated; duplicating any 3 consecutive bases within chr16:2,071,910-2,071,913 gives the same sequence; the c. name uses the placement nearest the transcript's 3' end. VCF-style (leftmost placement, unchanged base first): chr16-2071909-G-GCGT. GRCh37 (hg19) VCF-style: chr16-2121910-G-GCGT.
Other names: c.2074_2076dup, p.Val692_Leu693insVal (NM_001077183.3, NM_001114382.3, NM_001363528.2 and 6 more transcripts); c.1963_1965dup, p.Val655_Leu656insVal (NM_001318827.2, NM_001406670.1, NM_001406678.1); c.1927_1929dup, p.Val643_Leu644insVal (NM_001318829.2, NM_001406675.1, NM_001406676.1 and 1 more transcripts); c.1474_1476dup, p.Val492_Leu493insVal (NM_001318831.2, NM_001406680.1, NM_001406682.1 and 6 more transcripts); c.2107_2109dup, p.Val703_Leu704insVal (NM_001318832.2); c.2164_2166dup, p.Val722_Leu723insVal (NM_001406667.1, NM_001406668.1); c.2062_2064dup, p.Val688_Leu689insVal (NM_001406671.1, NM_001406673.1); c.2017_2019dup, p.Val673_Leu674insVal (NM_001406677.1); and 3 more.
Identifiers: ClinVar variation 2132746 (VCV002132746.4), dbSNP rs2543706870, ClinGen allele CA2580090853.
Genomic context (GRCh38, chr16:2,071,909, plus strand): 5'-GCCCGGCGCCTGCAGGCCCCGCCGTGCGGCTGGGGTCCGTGCCCTACTCCCTGCTCTTCC[G>GCGT]CGTCCTGCTGCAGTGCTTGAAGCAGGTGAGTGGGGCCGGGCAGGGACCATCCGTCCCACG-3'

ClinVar aggregate classification (germline): Uncertain significance (1 of 4 stars; one submission).

Conditions:
Tuberous sclerosis 2 (TSC2). Identifiers: Orphanet 805, MedGen C1860707, MONDO:0013199, OMIM 613254.

Submission:

Labcorp Genetics (formerly Invitae), Labcorp
Classification: Uncertain significance for Tuberous sclerosis 2. Last evaluated: 2022-05-03. Review status: criteria provided, single submitter. Criteria: Invitae Variant Classification Sherloc (09022015). Collection method: clinical testing. Allele origin: germline.
Comment: This variant is not present in population databases (gnomAD no frequency). This variant, c.2074_2076dup, results in the insertion of 1 amino acid(s) of the TSC2 protein (p.Val692dup), but otherwise preserves the integrity of the reading frame. This variant has not been reported in the literature in individuals affected with TSC2-related conditions. In summary, the available evidence is currently insufficient to determine the role of this variant in disease. Therefore, it has been classified as a Variant of Uncertain Significance.